The following is an entry in ClinVar:

ClinVar aggregate classification (germline): Uncertain significance (1 of 4 stars; one submission).

Allele frequency attached by ClinVar (database versions not stated): gnomAD exomes below 0.00001.
gnomAD v4.1: 3 of 1,613,584 alleles (0.00019%); highest among the groups gnomAD compares: Non-Finnish European, 0.00025%; no homozygotes.

Submission:

GeneDx
Classification: Uncertain significance. Last evaluated: 2019-12-12. Review status: criteria provided, single submitter. Criteria: GeneDx Variant Classification Process June 2021. Collection method: clinical testing. Allele origin: germline. Affected: yes.
Comment: Not observed in large population cohorts (Lek et al., 2016); In silico analysis, which includes protein predictors and evolutionary conservation, supports that this variant does not alter protein structure/function; In-silico analysis, which includes splice predictors and evolutionary conservation, is inconclusive as to whether the variant alters gene splicing. In the absence of RNA/functional studies, the actual effect of this sequence change is unknown.; Has not been previously published as pathogenic or benign to our knowledge

NM_001035.3(RYR2):c.1348G>C (p.Glu450Gln)

Gene: RYR2 (ryanodine receptor 2; plus strand). Cytogenetic location: 1q43.
Variant type: single nucleotide variant.
Coding change: c.1348G>C on transcript NM_001035.3 (MANE Select); coding-DNA position 1348, G replaced by C.
Protein change: p.Glu450Gln; replaces glutamic acid 450 with glutamine.
Molecular consequence: missense variant.
Genome position (GRCh38, 1-based): chr1:237,454,446, G>C. VCF-style: chr1-237454446-G-C. GRCh37 (hg19) VCF-style: chr1-237617746-G-C.
Other names: short protein forms E450Q.
Identifiers: ClinVar variation 1214920 (VCV001214920.3), dbSNP rs1572400749, ClinGen allele CA345380155.